The following is an entry in ClinVar:

ClinVar aggregate classification (germline): Uncertain significance (1 of 4 stars; one submission).

Submission:

GeneDx
Classification: Uncertain significance. Last evaluated: 2024-09-13. Review status: criteria provided, single submitter. Criteria: GeneDx Variant Classification Process June 2021. Collection method: clinical testing. Allele origin: germline. Affected: yes.
Comment: Not observed at significant frequency in large population cohorts (gnomAD); In silico analysis supports that this missense variant has a deleterious effect on protein structure/function; Has not been previously published as pathogenic or benign to our knowledge

NM_014991.6(WDFY3):c.8921C>T (p.Pro2974Leu)

Gene: WDFY3 (WD repeat and FYVE domain containing 3; minus strand). Cytogenetic location: 4q21.23.
Variant type: single nucleotide variant.
Coding change: c.8921C>T on transcript NM_014991.6 (MANE Select); coding-DNA position 8921, C replaced by T.
Protein change: p.Pro2974Leu; replaces proline 2974 with leucine.
Molecular consequence: missense variant.
Genome position (GRCh38, 1-based): chr4:84,693,013, G>A on the plus strand (C>T on the coding strand, the complement: WDFY3 is on the minus strand). VCF-style: chr4-84693013-G-A. GRCh37 (hg19) VCF-style: chr4-85614166-G-A.
Other names: short protein forms P2974L.
Identifiers: ClinVar variation 3770095 (VCV003770095.1).